The following is an entry in ClinVar:

NM_002907.4(RECQL):c.1731T>C (p.Asn577=)

Genes: PYROXD1 (pyridine nucleotide-disulphide oxidoreductase domain 1; plus strand), RECQL (RecQ like helicase; minus strand). Cytogenetic location: 12p12.1.
Variant type: single nucleotide variant.
Coding change: c.1731T>C on transcript NM_002907.4 (MANE Select); coding-DNA position 1731, T replaced by C.
Protein change: p.Asn577=; no amino-acid change (asparagine 577 retained).
Molecular consequence: synonymous variant. On other transcripts: 3 prime UTR variant (3).
Genome position (GRCh38, 1-based): chr12:21,471,035, A>G on the plus strand (T>C on the coding strand, the complement: RECQL is on the minus strand). VCF-style: chr12-21471035-A-G. GRCh37 (hg19) VCF-style: chr12-21623969-A-G.
Other names: c.1731T>C, p.Asn577= (NM_032941.3); c.*2281A>G (NM_001350912.2, NM_001350913.2, NM_024854.5).
Identifiers: ClinVar variation 506623 (VCV000506623.12), dbSNP rs6500, ClinGen allele CA6478663.

ClinVar aggregate classification (germline): Benign. Review status: criteria provided, multiple submitters, no conflicts (2 of 4 stars). 4 submissions from 4 submitters: Benign (4). Last evaluated 2026-02-04.

Allele frequency attached by ClinVar (database versions not stated): ESP Exome Variant Server 0.09897; gnomAD exomes 0.10779 and 0.09365; gnomAD 0.10976 and 0.11188; ExAC 0.11195; TOPMed 0.11403; 1000 Genomes Project 30x 0.15006; 1000 Genomes Project 0.15136.
gnomAD v4.1: 153,571 of 1,599,836 alleles (9.6%); highest among the groups gnomAD compares: East Asian, 29%; 8,548 homozygotes.

Submissions (4):

Labcorp Genetics (formerly Invitae), Labcorp
Classification: Benign. Last evaluated: 2026-02-04. Review status: criteria provided, single submitter. Criteria: Invitae Variant Classification Sherloc (09022015). Collection method: clinical testing. Allele origin: germline.

Blueprint Genetics
Classification: Benign. Last evaluated: 2024-11-27. Review status: criteria provided, single submitter. Criteria: ACMG Guidelines, 2015. Collection method: clinical testing. Allele origin: germline.

GeneDx
Classification: Benign. Last evaluated: 2017-12-15. Review status: criteria provided, single submitter. Criteria: GeneDx Variant Classification (06012015). Collection method: clinical testing. Allele origin: germline. Affected: yes.
Comment: This variant is considered likely benign or benign based on one or more of the following criteria: it is a conservative change, it occurs at a poorly conserved position in the protein, it is predicted to be benign by multiple in silico algorithms, and/or has population frequency not consistent with disease.

Breakthrough Genomics
Classification: Benign. Review status: criteria provided, single submitter. Criteria: ACMG Guidelines, 2015. Collection method: not provided. Allele origin: germline. Inheritance: Unknown mechanism. Affected: yes.